The following is an entry in ClinVar:

ClinVar aggregate classification (germline): Uncertain significance. Review status: criteria provided, multiple submitters, no conflicts (2 of 4 stars). 2 submissions from 2 submitters: Uncertain significance (2). Last evaluated 2021-11-21.

Conditions:
Congenital hereditary endothelial dystrophy of cornea. Also called: CORNEAL DYSTROPHY, CONGENITAL HEREDITARY ENDOTHELIAL; Congenital hereditary endothelial dystrophy type II; Congenital hereditary endothelial dystrophy of the cornea; Maumenee corneal dystrophy; Corneal endothelial dystrophy, autosomal recessive. Identifiers: Orphanet 293603, MedGen C1857569, MONDO:0009019, OMIM 217700.
Corneal dystrophy-perceptive deafness syndrome (CDPD). Also called: CORNEAL DYSTROPHY AND SENSORINEURAL DEAFNESS; HARBOYAN SYNDROME. Identifiers: Orphanet 1490, MedGen C1857572, MONDO:0009015, OMIM 217400.
Corneal dystrophy, Fuchs endothelial, 4 (FECD4). Identifiers: Orphanet 98974, MedGen C2750450, MONDO:0013204, OMIM 613268.

Submissions (2):

Labcorp Genetics (formerly Invitae), Labcorp
Classification: Uncertain significance. Last evaluated: 2021-11-21. Review status: criteria provided, single submitter. Criteria: Invitae Variant Classification Sherloc (09022015). Collection method: clinical testing. Allele origin: germline.
Comment: This sequence change replaces tryptophan, which is neutral and slightly polar, with phenylalanine, which is neutral and non-polar, at codon 240 of the SLC4A11 protein (p.Trp240Phe). Information on the frequency of this variant in the gnomAD database is not available, as this variant may be reported differently in the database. This variant has not been reported in the literature in individuals affected with SLC4A11-related conditions. Algorithms developed to predict the effect of missense changes on protein structure and function are either unavailable or do not agree on the potential impact of this missense change (SIFT: "Not Available"; PolyPhen-2: "Probably Damaging"; Align-GVGD: "Not Available"). In summary, the available evidence is currently insufficient to determine the role of this variant in disease. Therefore, it has been classified as a Variant of Uncertain Significance.

Fulgent Genetics
Classification: Uncertain significance for Corneal dystrophy-perceptive deafness syndrome; Congenital hereditary endothelial dystrophy of cornea; Corneal dystrophy, Fuchs endothelial, 4. Last evaluated: 2021-09-16. Review status: criteria provided, single submitter. Criteria: ACMG Guidelines, 2015. Collection method: clinical testing. Allele origin: unknown.

NM_001174089.2(SLC4A11):c.671_672delinsTT (p.Trp224Phe)

Gene: SLC4A11 (solute carrier family 4 member 11; minus strand). Cytogenetic location: 20p13.
Variant type: Indel.
Coding change: c.671_672delinsTT on transcript NM_001174089.2 (MANE Select); coding-DNA positions 671 to 672, GG replaced by TT.
Protein change: p.Trp224Phe; replaces tryptophan 224 with phenylalanine.
Molecular consequence: missense variant. On other transcripts: non-coding transcript variant (1).
Genome position (GRCh38, 1-based): chr20:3,233,571-3,233,572, CC replaced by AA on the plus strand (GG replaced by TT on the coding strand, the reverse complement: SLC4A11 is on the minus strand). VCF-style: chr20-3233571-CC-AA. GRCh37 (hg19) VCF-style: chr20-3214217-CC-AA.
Other names: c.800_801delinsTT, p.Trp267Phe (NM_001174090.2); c.671_672delinsTT, p.Trp224Phe (NM_001363745.2); c.719_720delinsTT, p.Trp240Phe (NM_032034.4); short protein forms W240F, W224F, W267F.
Identifiers: ClinVar variation 1419680 (VCV001419680.4), dbSNP rs2122588507, ClinGen allele CA2573156906.